The following continues an entry in ClinVar:

NM_004004.6(GJB2):c.427C>T (p.Arg143Trp)

Gene: GJB2. ClinVar aggregate classification (germline): Pathogenic/Likely pathogenic. Pathogenic (25); Likely pathogenic (1).

Submissions 9 to 17 of 33:

Women's Health and Genetics/Laboratory Corporation of America, LabCorp
Classification: Pathogenic for Autosomal recessive nonsyndromic hearing loss 1A. Last evaluated: 2025-03-05. Review status: criteria provided, single submitter. Criteria: LabCorp Variant Classification Summary - May 2015. Collection method: clinical testing. Allele origin: germline.
Comment: Variant summary: GJB2 c.427C>T (p.Arg143Trp) results in a non-conservative amino acid change in the encoded protein sequence. Three of three in-silico tools predict a damaging effect of the variant on protein function. The variant allele was found at a frequency of 0.00012 in 251324 control chromosomes. This frequency is not significantly higher than estimated for a pathogenic variant in GJB2 causing Autosomal Recessive Non-Syndromic Hearing Loss (0.00012 vs 0.025), allowing no conclusion about variant significance. c.427C>T has been reported in the literature in multiple individuals affected with Autosomal Recessive Non-Syndromic Hearing Loss (e.g., Abe_2000, Rabionet_2000, Hamelmann_2001, Dai_2015). These data indicate that the variant is very likely to be associated with disease. A different variant affecting the same codon has been classified as pathogenic by our lab (c.428G>A, p.Arg143Gln), supporting the critical relevance of codon 143 to GJB2 protein function. At least one publication reports experimental evidence evaluating an impact on protein function. The most pronounced variant effect results in <10% of normal activity (Palmada_2006). The following publications have been ascertained in the context of this evaluation (PMID: 10633133, 11439000, 10982180, 16300957, 26095810). ClinVar contains an entry for this variant (Variation ID: 17009). Based on the evidence outlined above, the variant was classified as pathogenic.

Victorian Clinical Genetics Services, Murdoch Childrens Research Institute
Classification: Pathogenic for Autosomal recessive nonsyndromic hearing loss 1A. Last evaluated: 2024-10-10. Review status: criteria provided, single submitter. Criteria: ACMG Guidelines, 2015. Collection method: clinical testing. Allele origin: germline. Inheritance: Autosomal recessive inheritance. Affected: yes.
Comment: Based on the classification scheme VCGS_Germline_v1.3.5, this variant is classified as Pathogenic. Following criteria are met: 0102 - Loss of function is a known mechanism of disease in this gene and is associated with both deafness and skin conditions (OMIM). Dominant negative is also a suggested mechanism (PMID: 28428247). (I) 0108 - This gene is associated with both recessive and dominant disease. The autosomal dominant diseases are commonly associated with pathogenic missense variants. The autosomal recessive disease is associated with bi-allelic loss-of-function variants and includes missense and protein truncating variants (NIH Genetics Home Reference, PMID: 12792423). (I) 0112 - The condition associated with this gene has incomplete penetrance (PMID:31160754). (I) 0115 - Variants in this gene are known to have variable expressivity. Severity can range from mild to profound with intrafamilial variability also commonly seen. Commonly, truncating variants are associated to a more severe hearing loss (PMID: 20301449). (I) 0200 - Variant is predicted to result in a missense amino acid change from arginine to tryptophan. (I) 0251 - This variant is heterozygous. (I) 0304 - Variant is present in gnomAD (v4) <0.01 (67 heterozygotes, 0 homozygotes). (SP) 0309 - Multiple alternative amino acid changes at the same position have been observed in gnomAD (v4) (highest allele count: 6 heterozygotes, 0 homozygotes). (I) 0501 - Missense variant consistently predicted to be damaging by multiple in silico tools or highly conserved with a major amino acid change. (SP) 0600 - Variant is located in the annotated connexin domain (DECIPHER). (I) 0801 - This variant has very strong previous evidence of pathogenicity in unrelated individuals. This variant has been reported pathogenic in >10 unrelated individuals with hearing loss (ClinVar, Deafness Variation database). This variant has also been reported compound heterozygous with other well-known pathogenic variants in individuals with hearing loss and homozygous in an individual with profound non-syndromic hearing loss (PMID:38730444). (SP) 1208 - Inheritance information for this variant is not currently available in this individual. (I) Legend: (SP) - Supporting pathogenic, (I) - Information, (SB) - Supporting benign

Blueprint Genetics
Classification: Pathogenic for GJB2-related disorders. Last evaluated: 2024-07-05. Review status: criteria provided, single submitter. Criteria: ACMG Guidelines, 2015. Collection method: clinical testing. Allele origin: germline. Affected: yes. Observed: 5 variant alleles.

Fulgent Genetics
Classification: Pathogenic for Mutilating keratoderma; Autosomal dominant keratitis-ichthyosis-hearing loss syndrome; Palmoplantar keratoderma-deafness syndrome; Knuckle pads, deafness AND leukonychia syndrome; Autosomal recessive nonsyndromic hearing loss 1A; Autosomal dominant nonsyndromic hearing loss 3A. Last evaluated: 2024-04-16. Review status: criteria provided, single submitter. Criteria: ACMG Guidelines, 2015. Collection method: clinical testing. Allele origin: germline.

Department of Pathology and Laboratory Medicine, Sinai Health System
Classification: Pathogenic for Knuckle pads, deafness AND leukonychia syndrome; Mutilating keratoderma; Palmoplantar keratoderma-deafness syndrome. Last evaluated: 2022-06-13. Review status: criteria provided, single submitter. Criteria: ACMG Guidelines, 2015. Collection method: research. Allele origin: germline.

Revvity Omics, Revvity
Classification: Pathogenic. Last evaluated: 2022-03-28. Review status: criteria provided, single submitter. Criteria: ACMG Guidelines, 2015. Collection method: clinical testing. Allele origin: germline.

ARUP Laboratories, Molecular Genetics and Genomics, ARUP Laboratories
Classification: Pathogenic. Last evaluated: 2021-04-08. Review status: criteria provided, single submitter. Criteria: ARUP Molecular Germline Variant Investigation Process 2021. Collection method: clinical testing. Allele origin: germline.
Comment: The GJB2 c.427C>T; p.Arg143Trp variant (rs80338948) is a well-studied pathogenic variant associated with autosomal recessive deafness-1A (DFNB1A) and has been observed in affected individuals both in the homozygous state and in trans to other pathogenic GJB2 variants (Abe 2018, Brobby 1998, Dodson 2011, Sloan-Heggen 2016). This variant is found in the African population with an overall allele frequency of 0.07% (18/24908 alleles) in the Genome Aggregation Database, and it is reported as pathogenic by multiple laboratories in ClinVar (Variation ID: 17009). The arginine at codon 143 is highly conserved, and while conclusions from functional studies are somewhat varied, functional assays indicate that the p.Arg143Trp variant inhibits gap junction formation and reduced conductance (Wang 2003, Mese 2004, Palmada 2006). Additionally, other amino acid substitutions at this codon (p.Arg143Gln, p.Arg143Leu) have been reported in individuals with hearing loss and are considered disease-causing (Loffler 2001, Putcha 2007). Based on available information, the p.Arg143Trp variant is considered to be pathogenic. References: Abe S et al. Diagnostic pitfalls for GJB2-related hearing loss: A novel deletion detected by Array-CGH analysis in a Japanese patient with congenital profound hearing loss. Clin Case Rep. 2018 Sep 21;6(11):2111-2116. Brobby et al. Connexin 26 R143W mutation associated with recessive nonsyndromic sensorineural deafness in Africa. N Engl J Med. 1998; 338(8): 548-550. Dodson et al. Vestibular dysfunction in DFNB1 deafness. Am J Med Genet A. 2011; 155A(5): 993-1000. Loffler J et al. Sensorineural hearing loss and the incidence of Cx26 mutations in Austria. Eur J Hum Genet. 2001 Mar;9(3):226-30. Mese et al. Altered gating properties of functional Cx26 mutants associated with recessive non-syndromic hearing loss. Hum Genet. 2004; 115(3): 191-199. Palmada et al. Loss of function mutations of the GJB2 gene detected in patients with DFNB1-associated hearing impairment. Neurobiol Dis. 2006; 22(1): 112-118. Putcha GV et al. A multicenter study of the frequency and distribution of GJB2 and GJB6 mutations in a large North American cohort. Genet Med. 2007 Jul;9(7):413-26. Sloan-Heggen et al. Comprehensive genetic testing in the clinical evaluation of 1119 patients with hearing loss. Hum Genet. 2016; 135(4): 441-450. Wang et al. Functional analysis of connexin-26 mutants associated with hereditary recessive deafness. J Neurochem. 2003; 84(4): 735-742.

INGEBI, INGEBI / CONICET
Classification: Pathogenic for Nonsyndromic hearing loss and deafness. Last evaluated: 2020-08-21. Review status: criteria provided, single submitter. Criteria: ClinGen HL ACMG Specifications v1. Collection method: clinical testing. Allele origin: germline. Inheritance: Autosomal recessive inheritance. Affected: yes. Observed: 6 variant alleles, 6 compound heterozygotes. Clinical features observed: Prelingual severe to profound bilateral hearing loss, Prelingual profound bilateral hearing loss.
Comment: Based on ACMG/AMP guidelines and Hearing Loss Expert Panel specific criteria: the filtering allele frequency of the c.427C>T, p.Arg143Trp variant in GBJ2 gene is 0,04% (18/24908 African chromosomes with 95% CI) from Genome Aggregation Database (calculated by using inverse allele frequency at an online resource), which meets the PM2_Supporting criteria. The p.Arg143Trp change was identified in trans with at least 7 known pathogenic variants applying to PM3_VeryStrong rule(PMID: 9471561, 14985372, 10633133, 11556849, 10982180, 24158611). In one family this variant was identified in trans with a reported pathogenic variant and segregated among family members applying to PP1_Supporting criteria (PMID: 10633133). Computational analysis predicted a pathogenic impact of the mutation to the protein (REVEL=0.918; PP3). Functional studies demonstrated that p.Arg143Trp mutant formed functional channels that were permeable to fluorescent tracers in transfected N2A cells and conductance levels measured similar to that of WT-Cx26 (PMID: 12562518). However, it did not induce the formation of functional GJCh in paired Xenopus laevis oocytes (PMID: 15241677, 16300957). As the evidence is contradictory functional data was not counted. In summary, This variant meets criteria to be classified as pathogenic for autosomal recessive non-syndromic hearing loss: PM2_Supporting, PM3_VeryStrong, PP1_Supporting and PP3.

Myriad Genetics, Inc.
Classification: Pathogenic for Autosomal recessive nonsyndromic hearing loss 1A. Last evaluated: 2019-12-24. Review status: criteria provided, single submitter. Criteria: Myriad Women's Health Autosomal Recessive and X-Linked Classification Criteria (2019). Collection method: clinical testing. Allele origin: unknown.
Comment: NM_004004.5(GJB2):c.427C>T(R143W) is classified as pathogenic in the context of GJB2-related DFNB1 nonsyndromic hearing loss and deafness. Sources cited for classification include the following: PMID 11439000, 12562518, 15241677 and 16300957. Classification of NM_004004.5(GJB2):c.427C>T(R143W) is based on the following criteria: This is a well-established pathogenic variant in the literature that has been observed more frequently in patients with clinical diagnoses than in healthy populations. Please note: this variant was assessed in the context of healthy population screening.â€šÃ„Ã¶âˆšÃ‘âˆšÂ£